The following is an entry in ClinVar:

NM_001348484.3(RIMS2):c.1157A>G (p.Tyr386Cys)

Gene: RIMS2 (regulating synaptic membrane exocytosis 2; plus strand). Cytogenetic location: 8q22.3.
Variant type: single nucleotide variant.
Coding change: c.1157A>G on transcript NM_001348484.3 (MANE Select); coding-DNA position 1157, A replaced by G.
Protein change: p.Tyr386Cys; replaces tyrosine 386 with cysteine.
Molecular consequence: missense variant. On other transcripts: non-coding transcript variant (2).
Genome position (GRCh38, 1-based): chr8:103,885,624, A>G. VCF-style: chr8-103885624-A-G. GRCh37 (hg19) VCF-style: chr8-104897852-A-G.
Other names: c.1145A>G, p.Tyr382Cys (NM_001348491.2); c.1037A>G, p.Tyr346Cys (NM_001348492.2, NM_001348496.2, NM_001348486.2 and 3 more transcripts); c.1025A>G, p.Tyr342Cys (NM_001348493.2, NM_001348494.2, NM_001348497.2 and 3 more transcripts); c.1067A>G, p.Tyr356Cys (NM_001348495.2); c.449A>G, p.Tyr150Cys (NM_001348498.2, NM_001348499.2, NM_001348500.2 and 11 more transcripts); c.1157A>G, p.Tyr386Cys (NM_001348488.2, NM_001395653.1, NM_001395654.1); short protein forms Y150C, Y342C, Y346C, Y356C, Y382C, Y386C.
Identifiers: ClinVar variation 4881419 (VCV004881419.2).

ClinVar aggregate classification (germline): Uncertain significance (1 of 4 stars; one submission).

gnomAD v4.1: 274 of 1,613,154 alleles (0.017%); highest among the groups gnomAD compares: African/African-American, 0.31%; no homozygotes.

Submission:

Dasa
Classification: Uncertain significance. Last evaluated: 2025-07-07. Review status: criteria provided, single submitter. Criteria: DASA Assertion Criteria. Collection method: clinical testing. Allele origin: germline.
Comment: NM_001348484.3(RIMS2):c.1157A>G (p.Tyr386Cys) is a missense variant that results in the substitution of tyrosine with cysteine. This variant is rare in population databases. The currently available literature and clinical evidence are not sufficient to establish a definitive association between this variant and the reported condition. Therefore, this variant is classified as a variant of uncertain significance.